The following is an entry in ClinVar:

ClinVar aggregate classification (germline): Uncertain significance. Review status: criteria provided, multiple submitters, no conflicts (2 of 4 stars). 2 submissions from 2 submitters: Uncertain significance (2). Last evaluated 2025-08-02.

Conditions:
Inborn genetic diseases. Identifiers: MedGen C0950123, MeSH D030342.

Submissions (2):

Ambry Genetics
Classification: Uncertain significance for Inborn genetic diseases. Last evaluated: 2025-08-02. Review status: criteria provided, single submitter. Criteria: Ambry Variant Classification Scheme 2023. Collection method: clinical testing. Allele origin: germline.
Comment: The p.R143K variant (also known as c.428G>A), located in coding exon 4 of the G6PC3 gene, results from a G to A substitution at nucleotide position 428. The arginine at codon 143 is replaced by lysine, an amino acid with highly similar properties. This amino acid position is conserved. In addition, this alteration is predicted to be tolerated by in silico analysis. Based on the available evidence, the clinical significance of this variant remains unclear.

Blueprint Genetics
Classification: Uncertain significance. Last evaluated: 2024-06-25. Review status: criteria provided, single submitter. Criteria: ACMG Guidelines, 2015. Collection method: clinical testing. Allele origin: germline.

NM_138387.4(G6PC3):c.428G>A (p.Arg143Lys)

Gene: G6PC3 (glucose-6-phosphatase catalytic subunit 3; plus strand). Cytogenetic location: 17q21.31.
Variant type: single nucleotide variant.
Coding change: c.428G>A on transcript NM_138387.4 (MANE Select); coding-DNA position 428, G replaced by A.
Protein change: p.Arg143Lys; replaces arginine 143 with lysine.
Molecular consequence: missense variant. On other transcripts: intron variant (1).
Genome position (GRCh38, 1-based): chr17:44,074,980, G>A. VCF-style: chr17-44074980-G-A. GRCh37 (hg19) VCF-style: chr17-42152348-G-A.
Other names: c.83G>A, p.Arg28Lys (NM_001384165.1, NM_001384166.1, NM_001384167.1 and 1 more transcripts); c.416+210G>A (NM_001319945.2); short protein forms R143K, R28K.
Identifiers: ClinVar variation 4260992 (VCV004260992.2).